The following is an entry in ClinVar:

NM_001319674.2(GMEB1):c.1206A>G (p.Pro402=)

Gene: GMEB1 (glucocorticoid modulatory element binding protein 1; plus strand). Cytogenetic location: 1p35.3.
Variant type: single nucleotide variant.
Coding change: c.1206A>G on transcript NM_001319674.2 (MANE Select); coding-DNA position 1206, A replaced by G.
Protein change: p.Pro402=; no amino-acid change (proline 402 retained).
Molecular consequence: synonymous variant.
Genome position (GRCh38, 1-based): chr1:28,714,287, A>G. VCF-style: chr1-28714287-A-G. GRCh37 (hg19) VCF-style: chr1-29040799-A-G.
Other names: c.1236A>G, p.Pro412= (NM_006582.4); c.1206A>G, p.Pro402= (NM_024482.3).
Identifiers: ClinVar variation 2638580 (VCV002638580.24), dbSNP rs16837667, ClinGen allele CA723416.

ClinVar aggregate classification (germline): Likely benign (1 of 4 stars; one submission).

Allele frequency attached by ClinVar (database versions not stated): ESP Exome Variant Server 0.00584; 1000 Genomes Project 0.00220; 1000 Genomes Project 30x 0.00281.
gnomAD v4.1: 11,806 of 1,614,114 alleles (0.73%); highest among the groups gnomAD compares: Middle Eastern, 1.5%; 62 homozygotes.

Submission:

CeGaT Center for Human Genetics Tuebingen
Classification: Likely benign. Last evaluated: 2023-03-01. Review status: criteria provided, single submitter. Criteria: CeGaT Center For Human Genetics Tuebingen Variant Classification Criteria Version 2. Collection method: clinical testing. Allele origin: germline. Affected: yes. Observed: 1 variant allele.
Comment: GMEB1: BP4, BP7, BS2